The following is an entry in ClinVar:

ClinVar aggregate classification (germline): Uncertain significance (1 of 4 stars; one submission).

Allele frequency attached by ClinVar (database versions not stated): ExAC 0.00001; TOPMed 0.00002; gnomAD 0.00003.
gnomAD v4.1: 18 of 1,613,780 alleles (0.0011%); highest among the groups gnomAD compares: Middle Eastern, 0.033%; no homozygotes.

Submission:

Labcorp Genetics (formerly Invitae), Labcorp
Classification: Uncertain significance. Last evaluated: 2022-05-27. Review status: criteria provided, single submitter. Criteria: Invitae Variant Classification Sherloc (09022015). Collection method: clinical testing. Allele origin: germline.
Comment: This sequence change replaces serine, which is neutral and polar, with leucine, which is neutral and non-polar, at codon 578 of the REL protein (p.Ser578Leu). This variant is present in population databases (rs759650174, gnomAD 0.008%). This variant has not been reported in the literature in individuals affected with REL-related conditions. Algorithms developed to predict the effect of missense changes on protein structure and function output the following: SIFT: "Tolerated"; PolyPhen-2: "Benign"; Align-GVGD: "Class C0". The leucine amino acid residue is found in multiple mammalian species, which suggests that this missense change does not adversely affect protein function. In summary, the available evidence is currently insufficient to determine the role of this variant in disease. Therefore, it has been classified as a Variant of Uncertain Significance.

NM_001291746.2(REL):c.1637C>T (p.Ser546Leu)

Gene: REL (REL proto-oncogene, NF-kB subunit; plus strand). Cytogenetic location: 2p16.1.
Variant type: single nucleotide variant.
Coding change: c.1637C>T on transcript NM_001291746.2 (MANE Select); coding-DNA position 1637, C replaced by T.
Protein change: p.Ser546Leu; replaces serine 546 with leucine.
Molecular consequence: missense variant.
Genome position (GRCh38, 1-based): chr2:60,922,408, C>T. VCF-style: chr2-60922408-C-T. GRCh37 (hg19) VCF-style: chr2-61149543-C-T.
Other names: c.1733C>T, p.Ser578Leu (NM_002908.4); short protein forms S546L, S578L.
Identifiers: ClinVar variation 2114491 (VCV002114491.1), dbSNP rs759650174, ClinGen allele CA1672508.
Genomic context (GRCh38, chr2:60,922,408, plus strand): 5'-AATCAGATGCATTTGAGGGATCTGACTTCAGTTGTGCAGATAACAGCATGATAAATGAGT[C>T]GGGACCATCAAACAGTACTAATCCAAACAGTCATGGTTTTGTTCAAGATAGTCAGTATTC-3'
Protein context (NP_001278675.1, residues 536-556): SCADNSMINE[Ser546Leu]GPSNSTNPNS